The following is an entry in ClinVar:

NM_020812.4(DOCK6):c.870G>T (p.Lys290Asn)

Gene: DOCK6 (dedicator of cytokinesis 6; minus strand). Cytogenetic location: 19p13.2.
Variant type: single nucleotide variant.
Coding change: c.870G>T on transcript NM_020812.4 (MANE Select); coding-DNA position 870, G replaced by T.
Protein change: p.Lys290Asn; replaces lysine 290 with asparagine.
Molecular consequence: missense variant.
Genome position (GRCh38, 1-based): chr19:11,245,815, C>A on the plus strand (G>T on the coding strand, the complement: DOCK6 is on the minus strand). VCF-style: chr19-11245815-C-A. GRCh37 (hg19) VCF-style: chr19-11356491-C-A.
Other names: c.870G>T, p.Lys290Asn (NM_001367830.1); c.870G>T (NM_020812.2); short protein forms K290N.
Identifiers: ClinVar variation 2159759 (VCV002159759.2), dbSNP rs1568258583, ClinGen allele CA404112871.
Genomic context (GRCh38, chr19:11,245,815, plus strand): 5'-CCACAGCCCCCCAACAAGGAGAAGGAAGGGGAGGAAAGAGAAAAAAGGGCCTCCTACCTT[C>A]TTTTTCTCCCGCACATCATACAGAGCCAAGATCCCAAAGATGGGCTCAATTTCAATCTCG-3'
Protein context (NP_065863.2, residues 280-300): ILALYDVREK[Lys290Asn]KISENFYFDL

ClinVar aggregate classification (germline): Uncertain significance. Review status: criteria provided, multiple submitters, no conflicts (2 of 4 stars). 2 submissions from 2 submitters: Uncertain significance (2). Last evaluated 2024-08-14.

Conditions:
Inborn genetic diseases. Identifiers: MedGen C0950123, MeSH D030342.

Allele frequency attached by ClinVar (database versions not stated): TOPMed below 0.00001; gnomAD exomes 0.00002.
gnomAD v4.1: 27 of 1,576,358 alleles (0.0017%); highest among the groups gnomAD compares: Middle Eastern, 0.033%; no homozygotes.

Submissions (2):

Ambry Genetics
Classification: Uncertain significance for Inborn genetic diseases. Last evaluated: 2024-08-14. Review status: criteria provided, single submitter. Criteria: Ambry Variant Classification Scheme 2023. Collection method: clinical testing. Allele origin: germline.

Labcorp Genetics (formerly Invitae), Labcorp
Classification: Uncertain significance. Last evaluated: 2022-01-26. Review status: criteria provided, single submitter. Criteria: Invitae Variant Classification Sherloc (09022015). Collection method: clinical testing. Allele origin: germline.
Comment: This sequence change replaces lysine, which is basic and polar, with asparagine, which is neutral and polar, at codon 290 of the DOCK6 protein (p.Lys290Asn). The frequency data for this variant in the population databases is considered unreliable, as metrics indicate poor data quality at this position in the gnomAD database. This variant has not been reported in the literature in individuals affected with DOCK6-related conditions. Algorithms developed to predict the effect of missense changes on protein structure and function are either unavailable or do not agree on the potential impact of this missense change (SIFT: "Deleterious"; PolyPhen-2: "Possibly Damaging"; Align-GVGD: "Class C0"). In summary, the available evidence is currently insufficient to determine the role of this variant in disease. Therefore, it has been classified as a Variant of Uncertain Significance.